The following is an entry in ClinVar:

ClinVar aggregate classification (germline): Conflicting classifications of pathogenicity. Review status: criteria provided, conflicting classifications (1 of 4 stars). 2 submissions from 2 submitters: Uncertain significance (1); Likely benign (1). Last evaluated 2023-12-31.

Conditions:
Inborn genetic diseases. Identifiers: MedGen C0950123, MeSH D030342.

Allele frequency attached by ClinVar (database versions not stated): ExAC 0.00002; TOPMed 0.00002; gnomAD 0.00004; ESP Exome Variant Server 0.00008; 1000 Genomes Project 30x 0.00016; 1000 Genomes Project 0.00020.
gnomAD v4.1: 33 of 1,613,668 alleles (0.002%); highest among the groups gnomAD compares: African/African-American, 0.0067%; 1 homozygote.

Submissions (2):

Ambry Genetics
Classification: Likely benign for Inborn genetic diseases. Last evaluated: 2023-12-31. Review status: criteria provided, single submitter. Criteria: Ambry Variant Classification Scheme 2023. Collection method: clinical testing. Allele origin: germline.

Labcorp Genetics (formerly Invitae), Labcorp
Classification: Uncertain significance. Last evaluated: 2022-08-02. Review status: criteria provided, single submitter. Criteria: Invitae Variant Classification Sherloc (09022015). Collection method: clinical testing. Allele origin: germline.
Comment: Advanced modeling of protein sequence and biophysical properties (such as structural, functional, and spatial information, amino acid conservation, physicochemical variation, residue mobility, and thermodynamic stability) performed at Invitae indicates that this missense variant is not expected to disrupt SLC6A19 protein function. In summary, the available evidence is currently insufficient to determine the role of this variant in disease. Therefore, it has been classified as a Variant of Uncertain Significance. This variant has not been reported in the literature in individuals affected with SLC6A19-related conditions. This variant is present in population databases (rs138803628, gnomAD 0.007%). This sequence change replaces aspartic acid, which is acidic and polar, with asparagine, which is neutral and polar, at codon 371 of the SLC6A19 protein (p.Asp371Asn).

NM_001003841.3(SLC6A19):c.1111G>A (p.Asp371Asn)

Gene: SLC6A19 (solute carrier family 6 member 19; plus strand). Cytogenetic location: 5p15.33.
Variant type: single nucleotide variant.
Coding change: c.1111G>A on transcript NM_001003841.3 (MANE Select); coding-DNA position 1111, G replaced by A.
Protein change: p.Asp371Asn; replaces aspartic acid 371 with asparagine.
Molecular consequence: missense variant.
Genome position (GRCh38, 1-based): chr5:1,216,883, G>A. VCF-style: chr5-1216883-G-A. GRCh37 (hg19) VCF-style: chr5-1216998-G-A.
Other names: c.1111G>A (NM_001003841.2); short protein forms D371N.
Identifiers: ClinVar variation 2167390 (VCV002167390.5), dbSNP rs138803628, ClinGen allele CA3183042.